The following is an entry in ClinVar:

ClinVar aggregate classification (germline): Uncertain significance. Review status: criteria provided, multiple submitters, no conflicts (2 of 4 stars). 2 submissions from 2 submitters: Uncertain significance (2). Last evaluated 2025-11-18.

Conditions:
Hereditary cancer-predisposing syndrome. Also called: Tumor predisposition; Neoplastic Syndromes, Hereditary; Hereditary Cancer Syndrome; Hereditary neoplastic syndrome. Identifiers: Orphanet 140162, MedGen C0027672, MeSH D009386, MONDO:0015356.
Hereditary breast ovarian cancer syndrome. Also called: Hereditary breast and ovarian cancer; Breast and ovarian cancer; Hereditary breast and/or ovarian cancer syndrome; Hereditary breast and ovarian cancer syndrome; BRCA1- and BRCA2-Associated Hereditary Breast and Ovarian Cancer; Hereditary breast and ovarian cancer syndrome (HBOC). Identifiers: Orphanet 145, MedGen C0677776, MeSH D061325, MONDO:0003582. Disease mechanism: loss of function.

Submissions (2):

Labcorp Genetics (formerly Invitae), Labcorp
Classification: Uncertain significance for Hereditary breast ovarian cancer syndrome. Last evaluated: 2025-11-18. Review status: criteria provided, single submitter. Criteria: Invitae Variant Classification Sherloc (09022015). Collection method: clinical testing. Allele origin: germline.
Comment: This sequence change replaces leucine, which is neutral and non-polar, with serine, which is neutral and polar, at codon 1080 of the BRCA1 protein (p.Leu1080Ser). This variant is not present in population databases (gnomAD no frequency). This variant has not been reported in the literature in individuals affected with BRCA1-related conditions. ClinVar contains an entry for this variant (Variation ID: 3481841). Invitae Evidence Modeling of protein sequence and biophysical properties (such as structural, functional, and spatial information, amino acid conservation, physicochemical variation, residue mobility, and thermodynamic stability) indicates that this missense variant is expected to disrupt BRCA1 protein function with a positive predictive value of 80%. In summary, the available evidence is currently insufficient to determine the role of this variant in disease. Therefore, it has been classified as a Variant of Uncertain Significance.

Ambry Genetics
Classification: Uncertain significance for Hereditary cancer-predisposing syndrome. Last evaluated: 2024-08-15. Review status: criteria provided, single submitter. Criteria: Ambry Variant Classification Scheme 2023. Collection method: clinical testing. Allele origin: germline.
Comment: The p.L1080S variant (also known as c.3239T>C), located in coding exon 9 of the BRCA1 gene, results from a T to C substitution at nucleotide position 3239. The leucine at codon 1080 is replaced by serine, an amino acid with dissimilar properties. This amino acid position is conserved. In addition, the in silico prediction for this alteration is inconclusive. Based on the available evidence, the clinical significance of this variant remains unclear.

NM_007294.4(BRCA1):c.3239T>C (p.Leu1080Ser)

Genes: BRCA1 (BRCA1 DNA repair associated; minus strand), LOC126862571 (BRD4-independent group 4 enhancer GRCh37_chr17:41243136-41244335; plus strand). Cytogenetic location: 17q21.31.
Variant type: single nucleotide variant.
Coding change: c.3239T>C on transcript NM_007294.4 (MANE Select); coding-DNA position 3239, T replaced by C.
Protein change: p.Leu1080Ser; replaces leucine 1080 with serine.
Molecular consequence: missense variant. On other transcripts: intron variant (137).
Genome position (GRCh38, 1-based): chr17:43,092,292, A>G on the plus strand (T>C on the coding strand, the complement: BRCA1 is on the minus strand). VCF-style: chr17-43092292-A-G. GRCh37 (hg19) VCF-style: chr17-41244309-A-G.
Other names: c.2975T>C, p.Leu992Ser (NM_001407923.1, NM_001407924.1, NM_001407925.1 and 9 more transcripts); c.2972T>C, p.Leu991Ser (NM_001407930.1, NM_001407931.1, NM_001407932.1 and 2 more transcripts); c.3116T>C, p.Leu1039Ser (NM_001407937.1, NM_001407938.1, NM_001407939.1 and 19 more transcripts); c.3113T>C, p.Leu1038Ser (NM_001407940.1, NM_001407941.1, NM_001407649.1 and 11 more transcripts); c.3098T>C, p.Leu1033Ser (NM_001407942.1, NM_001407944.1, NM_001407945.1 and 29 more transcripts); c.3095T>C, p.Leu1032Ser (NM_001407943.1, NM_001407964.1, NM_001407740.1 and 20 more transcripts); c.2906T>C, p.Leu969Ser (NM_001407946.1, NM_001407947.1, NM_001407948.1 and 6 more transcripts); c.2903T>C, p.Leu968Ser (NM_001407954.1, NM_001407955.1, NM_001407956.1 and 1 more transcripts); and 41 more; short protein forms L1033S, L1077S, L784S, L968S, L1010S, L1012S, L1032S, L1038S.
Identifiers: ClinVar variation 3481841 (VCV003481841.2).